The following is an entry in ClinVar:

NM_005529.7(HSPG2):c.12329G>A (p.Arg4110His)

Gene: HSPG2 (heparan sulfate proteoglycan 2; minus strand). Cytogenetic location: 1p36.12.
Variant type: single nucleotide variant.
Coding change: c.12329G>A on transcript NM_005529.7 (MANE Select); coding-DNA position 12329, G replaced by A.
Protein change: p.Arg4110His; replaces arginine 4110 with histidine.
Molecular consequence: missense variant.
Genome position (GRCh38, 1-based): chr1:21,828,335, C>T on the plus strand (G>A on the coding strand, the complement: HSPG2 is on the minus strand). VCF-style: chr1-21828335-C-T. GRCh37 (hg19) VCF-style: chr1-22154828-C-T.
Other names: c.12332G>A, p.Arg4111His (NM_001291860.2); short protein forms R4110H, R4111H.
Identifiers: ClinVar variation 1057065 (VCV001057065.8), dbSNP rs149798152, ClinGen allele CA669460.

ClinVar aggregate classification (germline): Uncertain significance (1 of 4 stars; one submission).

Allele frequency attached by ClinVar (database versions not stated): ExAC 0.00001; gnomAD exomes 0.00001 and 0.00002; gnomAD 0.00002; TOPMed 0.00003; ESP Exome Variant Server 0.00008.
gnomAD v4.1: 12 of 1,613,636 alleles (0.00074%); highest among the groups gnomAD compares: African/African-American, 0.0053%; no homozygotes.

Submission:

Labcorp Genetics (formerly Invitae), Labcorp
Classification: Uncertain significance. Last evaluated: 2022-02-12. Review status: criteria provided, single submitter. Criteria: Invitae Variant Classification Sherloc (09022015). Collection method: clinical testing. Allele origin: germline.
Comment: In summary, the available evidence is currently insufficient to determine the role of this variant in disease. Therefore, it has been classified as a Variant of Uncertain Significance. Algorithms developed to predict the effect of missense changes on protein structure and function (SIFT, PolyPhen-2, Align-GVGD) all suggest that this variant is likely to be tolerated. ClinVar contains an entry for this variant (Variation ID: 1057065). This variant has not been reported in the literature in individuals affected with HSPG2-related conditions. This variant is present in population databases (rs149798152, gnomAD 0.004%). This sequence change replaces arginine, which is basic and polar, with histidine, which is basic and polar, at codon 4110 of the HSPG2 protein (p.Arg4110His).